The following is an entry in ClinVar:

ClinVar aggregate classification (germline): Uncertain significance (1 of 4 stars; one submission).

Conditions:
Dilated cardiomyopathy 1W (CMD1W). Identifiers: Orphanet 154, MedGen C1969639, MONDO:0012667, OMIM 611407.

Allele frequency attached by ClinVar (database versions not stated): TOPMed 0.00002.
gnomAD v4.1: 2 of 1,613,688 alleles (0.00012%); highest among the groups gnomAD compares: African/African-American, 0.0027%; no homozygotes.

Submission:

Labcorp Genetics (formerly Invitae), Labcorp
Classification: Uncertain significance for Dilated cardiomyopathy 1W. Last evaluated: 2023-08-08. Review status: criteria provided, single submitter. Criteria: Invitae Variant Classification Sherloc (09022015). Collection method: clinical testing. Allele origin: germline.
Comment: This sequence change falls in intron 8 of the VCL gene. It does not directly change the encoded amino acid sequence of the VCL protein. It affects a nucleotide within the consensus splice site. In summary, the available evidence is currently insufficient to determine the role of this variant in disease. Therefore, it has been classified as a Variant of Uncertain Significance. Variants that disrupt the consensus splice site are a relatively common cause of aberrant splicing (PMID: 17576681, 9536098). Algorithms developed to predict the effect of sequence changes on RNA splicing suggest that this variant may disrupt the consensus splice site. ClinVar contains an entry for this variant (Variation ID: 952326). This variant has not been reported in the literature in individuals affected with VCL-related conditions. This variant is not present in population databases (gnomAD no frequency).

Literature cited by the submitters: PubMed 17576681; PubMed 9536098.

NM_014000.3(VCL):c.1022+3A>G

Gene: VCL (vinculin; plus strand). Cytogenetic location: 10q22.2.
Variant type: single nucleotide variant.
Coding change: c.1022+3A>G on transcript NM_014000.3 (MANE Select); 3 bases into the intron after coding-DNA position 1022, A replaced by G.
Molecular consequence: intron variant.
Genome position (GRCh38, 1-based): chr10:74,083,516, A>G. VCF-style: chr10-74083516-A-G. GRCh37 (hg19) VCF-style: chr10-75843274-A-G.
Other names: c.1022+3A>G (NM_003373.4).
Identifiers: ClinVar variation 952326 (VCV000952326.5), dbSNP rs201949733, ClinGen allele CA668296770.